The following is an entry in ClinVar:

ClinVar aggregate classification (germline): Pathogenic (1 of 4 stars; one submission).

Submission:

Labcorp Genetics (formerly Invitae), Labcorp
Classification: Pathogenic. Last evaluated: 2020-09-09. Review status: criteria provided, single submitter. Criteria: Invitae Variant Classification Sherloc (09022015). Collection method: clinical testing. Allele origin: germline.
Comment: This variant is not present in population databases (ExAC no frequency). For these reasons, this variant has been classified as Pathogenic. Loss-of-function variants in COL2A1 are known to be pathogenic (PMID: 20179744). This variant has not been reported in the literature in individuals with COL2A1-related conditions. This sequence change creates a premature translational stop signal (p.Ile982Hisfs*10) in the COL2A1 gene. It is expected to result in an absent or disrupted protein product.

Literature cited by the submitters: PubMed 20179744.

NM_001844.5(COL2A1):c.2942dup (p.Ile982fs)

Gene: COL2A1 (collagen type II alpha 1 chain; minus strand). Cytogenetic location: 12q13.11.
Variant type: Duplication.
Coding change: c.2942dup on transcript NM_001844.5 (MANE Select); coding-DNA position 2942, one base duplicated (G; older notation c.2942dupG).
Protein change: p.Ile982fs; shifts the reading frame from isoleucine 982.
Molecular consequence: frameshift variant.
Genome position (GRCh38, 1-based): chr12:47,978,352, C duplicated on the plus strand (G on the coding strand, the reverse complement: COL2A1 is on the minus strand); the first of 2 consecutive C bases (chr12:47,978,352-47,978,353); duplicating either gives the same sequence. VCF-style (leftmost placement, unchanged base first): chr12-47978351-G-GC. GRCh37 (hg19) VCF-style: chr12-48372134-G-GC.
Other names: c.2735dup, p.Ile913fs (NM_033150.3); short protein forms I913fs, I982fs.
Identifiers: ClinVar variation 1070703 (VCV001070703.7), dbSNP rs2136526506, ClinGen allele CA2499221659.